The following is an entry in ClinVar:

ClinVar aggregate classification (germline): Benign. Review status: criteria provided, multiple submitters, no conflicts (2 of 4 stars). 3 submissions from 3 submitters: Benign (3). Last evaluated 2023-12-01.

Allele frequency attached by ClinVar (database versions not stated): 1000 Genomes Project 30x 0.00453; 1000 Genomes Project 0.00499; gnomAD 0.00622 and 0.00644; TOPMed 0.00631; gnomAD exomes 0.01057 and 0.00769; ESP Exome Variant Server 0.00692; ExAC 0.00785.
gnomAD v4.1: 16,332 of 1,614,044 alleles (1%); highest among the groups gnomAD compares: South Asian, 1.2%; 112 homozygotes.

Submissions (3):

CeGaT Center for Human Genetics Tuebingen
Classification: Benign. Last evaluated: 2023-12-01. Review status: criteria provided, single submitter. Criteria: CeGaT Center For Human Genetics Tuebingen Variant Classification Criteria Version 2. Collection method: clinical testing. Allele origin: germline. Affected: yes. Observed: 2 variant alleles.
Comment: CNTN6: BP4, BP7, BS1, BS2

Labcorp Genetics (formerly Invitae), Labcorp
Classification: Benign. Last evaluated: 2019-12-31. Review status: criteria provided, single submitter. Criteria: Invitae Variant Classification Sherloc (09022015). Collection method: clinical testing. Allele origin: germline.

Breakthrough Genomics
Classification: Benign. Review status: criteria provided, single submitter. Criteria: ACMG Guidelines, 2015. Collection method: not provided. Allele origin: germline. Inheritance: Unknown mechanism. Affected: yes.

NM_001289080.2(CNTN6):c.541T>C (p.Leu181=)

Gene: CNTN6 (contactin 6; plus strand). Cytogenetic location: 3p26.3.
Variant type: single nucleotide variant.
Coding change: c.541T>C on transcript NM_001289080.2 (MANE Select); coding-DNA position 541, T replaced by C.
Protein change: p.Leu181=; no amino-acid change (leucine 181 retained).
Molecular consequence: synonymous variant. On other transcripts: 5 prime UTR variant (3), intron variant (2).
Genome position (GRCh38, 1-based): chr3:1,295,687, T>C. VCF-style: chr3-1295687-T-C. GRCh37 (hg19) VCF-style: chr3-1337371-T-C.
Other names: c.325T>C, p.Leu109= (NM_001289081.2); c.541T>C, p.Leu181= (NM_001349350.2, NM_001349351.2, NM_001349352.2 and 6 more transcripts); c.-397T>C (NM_001349359.2); c.-577T>C (NM_001349361.2); c.-479T>C (NM_001349362.2); c.-362+17179T>C (NM_001349360.2); c.454+17179T>C (NM_001349357.2).
Identifiers: ClinVar variation 773437 (VCV000773437.29), dbSNP rs150338565, ClinGen allele CA2225818.